The following is an entry in ClinVar:

ClinVar aggregate classification (germline): Uncertain significance (1 of 4 stars; one submission).

Allele frequency attached by ClinVar (database versions not stated): gnomAD exomes below 0.00001; ExAC 0.00001; gnomAD 0.00001; TOPMed 0.00001; ESP Exome Variant Server 0.00008.
gnomAD v4.1: 7 of 1,493,700 alleles (0.00047%); highest among the groups gnomAD compares: South Asian, 0.0034%; no homozygotes.

Submission:

Labcorp Genetics (formerly Invitae), Labcorp
Classification: Uncertain significance. Last evaluated: 2021-08-04. Review status: criteria provided, single submitter. Criteria: Invitae Variant Classification Sherloc (09022015). Collection method: clinical testing. Allele origin: germline.
Comment: This variant has not been reported in the literature in individuals affected with GUCY2C-related conditions. Algorithms developed to predict the effect of missense changes on protein structure and function are either unavailable or do not agree on the potential impact of this missense change (SIFT: "Tolerated"; PolyPhen-2: "Possibly Damaging"; Align-GVGD: "Class C0"). In summary, the available evidence is currently insufficient to determine the role of this variant in disease. Therefore, it has been classified as a Variant of Uncertain Significance. This sequence change replaces tyrosine with histidine at codon 457 of the GUCY2C protein (p.Tyr457His). The tyrosine residue is moderately conserved and there is a moderate physicochemical difference between tyrosine and histidine. This variant is present in population databases (rs374173753, ExAC 0.002%).

NM_004963.4(GUCY2C):c.1369T>C (p.Tyr457His)

Gene: GUCY2C (guanylate cyclase 2C; minus strand). Cytogenetic location: 12p12.3.
Variant type: single nucleotide variant.
Coding change: c.1369T>C on transcript NM_004963.4 (MANE Select); coding-DNA position 1369, T replaced by C.
Protein change: p.Tyr457His; replaces tyrosine 457 with histidine.
Molecular consequence: missense variant.
Genome position (GRCh38, 1-based): chr12:14,656,613, A>G on the plus strand (T>C on the coding strand, the complement: GUCY2C is on the minus strand). VCF-style: chr12-14656613-A-G. GRCh37 (hg19) VCF-style: chr12-14809547-A-G.
Other names: short protein forms Y457H.
Identifiers: ClinVar variation 1348085 (VCV001348085.6), dbSNP rs374173753, ClinGen allele CA6463437.